The following is an entry in ClinVar:

ClinVar aggregate classification (germline): Uncertain significance. Review status: criteria provided, multiple submitters, no conflicts (2 of 4 stars). 3 submissions from 3 submitters: Uncertain significance (3). Last evaluated 2025-07-29.

Conditions:
Inborn genetic diseases. Identifiers: MedGen C0950123, MeSH D030342.
Charcot-Marie-Tooth disease type 2. Also called: Charcot-Marie-Tooth type 2. Identifiers: Orphanet 64746, MedGen C0270914, MONDO:0018993.
Charcot-Marie-Tooth disease axonal type 2N (CMT2N). Also called: Charcot-Marie-Tooth Neuropathy Type 2N; CHARCOT-MARIE-TOOTH DISEASE, AXONAL, AUTOSOMAL DOMINANT, TYPE 2N; CHARCOT-MARIE-TOOTH NEUROPATHY, AXONAL, TYPE 2N. Identifiers: Orphanet 228174, MedGen C2750090, MONDO:0013212, OMIM 613287.

Allele frequency attached by ClinVar (database versions not stated): gnomAD exomes 0.00013 and 0.00005; gnomAD 0.00004; TOPMed 0.00004; ExAC 0.00008.

Submissions (3):

Labcorp Genetics (formerly Invitae), Labcorp
Classification: Uncertain significance for Charcot-Marie-Tooth disease type 2. Last evaluated: 2025-07-29. Review status: criteria provided, single submitter. Criteria: Invitae Variant Classification Sherloc (09022015). Collection method: clinical testing. Allele origin: germline.
Comment: This sequence change replaces arginine, which is basic and polar, with cysteine, which is neutral and slightly polar, at codon 633 of the AARS protein (p.Arg633Cys). This variant is present in population databases (rs758423103, gnomAD 0.01%). This variant has not been reported in the literature in individuals affected with AARS-related conditions. ClinVar contains an entry for this variant (Variation ID: 239031). Invitae Evidence Modeling of protein sequence and biophysical properties (such as structural, functional, and spatial information, amino acid conservation, physicochemical variation, residue mobility, and thermodynamic stability) has been performed for this missense variant. However, the output from this modeling did not meet the statistical confidence thresholds required to predict the impact of this variant on AARS protein function. In summary, the available evidence is currently insufficient to determine the role of this variant in disease. Therefore, it has been classified as a Variant of Uncertain Significance.

Ambry Genetics
Classification: Uncertain significance for Inborn genetic diseases. Last evaluated: 2024-10-09. Review status: criteria provided, single submitter. Criteria: Ambry Variant Classification Scheme 2023. Collection method: clinical testing. Allele origin: germline.

MGZ Medical Genetics Center
Classification: Uncertain significance for Charcot-Marie-Tooth disease axonal type 2N. Last evaluated: 2021-08-17. Review status: criteria provided, single submitter. Criteria: ACMG Guidelines, 2015. Collection method: clinical testing. Allele origin: germline. Affected: yes. Observed: 1 variant allele.
Comment: ACMG criteria applied: PM2_SUP

NM_001605.3(AARS1):c.1897C>T (p.Arg633Cys)

Gene: AARS1 (alanyl-tRNA synthetase 1; minus strand). Cytogenetic location: 16q22.1.
Variant type: single nucleotide variant.
Coding change: c.1897C>T on transcript NM_001605.3 (MANE Select); coding-DNA position 1897, C replaced by T.
Protein change: p.Arg633Cys; replaces arginine 633 with cysteine.
Molecular consequence: missense variant.
Genome position (GRCh38, 1-based): chr16:70,259,075, G>A on the plus strand (C>T on the coding strand, the complement: AARS1 is on the minus strand). VCF-style: chr16-70259075-G-A. GRCh37 (hg19) VCF-style: chr16-70292978-G-A.
Other names: short protein forms R633C.
Identifiers: ClinVar variation 239031 (VCV000239031.9), dbSNP rs758423103, ClinGen allele CA8140638.